The following is an entry in ClinVar:

ClinVar aggregate classification (germline): Conflicting classifications of pathogenicity. Review status: criteria provided, conflicting classifications (1 of 4 stars). 2 submissions from 2 submitters: Likely pathogenic (1); Uncertain significance (1). Last evaluated 2025-09-26.

Submissions (2):

Labcorp Genetics (formerly Invitae), Labcorp
Classification: Likely pathogenic. Last evaluated: 2025-09-26. Review status: criteria provided, single submitter. Criteria: Invitae Variant Classification Sherloc (09022015). Collection method: clinical testing. Allele origin: germline.
Comment: This sequence change replaces leucine, which is neutral and non-polar, with proline, which is neutral and non-polar, at codon 323 of the ABCA4 protein (p.Leu323Pro). This variant is not present in population databases (gnomAD no frequency). This missense change has been observed in individual(s) with Stargardt disease (internal data). In at least one individual the data is consistent with being in trans (on the opposite chromosome) from a pathogenic variant. Invitae Evidence Modeling of protein sequence and biophysical properties (such as structural, functional, and spatial information, amino acid conservation, physicochemical variation, residue mobility, and thermodynamic stability) indicates that this missense variant is expected to disrupt ABCA4 protein function with a positive predictive value of 95%. In summary, the currently available evidence indicates that the variant is pathogenic, but additional data are needed to prove that conclusively. Therefore, this variant has been classified as Likely Pathogenic.

Blueprint Genetics
Classification: Uncertain significance. Last evaluated: 2021-06-18. Review status: criteria provided, single submitter. Criteria: ACMG Guidelines, 2015. Collection method: clinical testing. Allele origin: germline.

NM_000350.3(ABCA4):c.968T>C (p.Leu323Pro)

Gene: ABCA4 (ATP binding cassette subfamily A member 4; minus strand). Cytogenetic location: 1p22.1.
Variant type: single nucleotide variant.
Coding change: c.968T>C on transcript NM_000350.3 (MANE Select); coding-DNA position 968, T replaced by C.
Protein change: p.Leu323Pro; replaces leucine 323 with proline.
Molecular consequence: missense variant.
Genome position (GRCh38, 1-based): chr1:94,080,609, A>G on the plus strand (T>C on the coding strand, the complement: ABCA4 is on the minus strand). VCF-style: chr1-94080609-A-G. GRCh37 (hg19) VCF-style: chr1-94546165-A-G.
Other names: c.968T>C, p.Leu323Pro (NM_001425324.1); short protein forms L323P.
Identifiers: ClinVar variation 4808461 (VCV004808461.2).